The following is an entry in ClinVar:

ClinVar aggregate classification (germline): Benign. Review status: criteria provided, multiple submitters, no conflicts (2 of 4 stars). 3 submissions from 3 submitters: Benign (3). Last evaluated 2023-11-12.

Allele frequency attached by ClinVar (database versions not stated): ESP Exome Variant Server 0.21597; TOPMed 0.25545; 1000 Genomes Project 0.32548; 1000 Genomes Project 30x 0.33120.
gnomAD v4.1: 352,235 of 1,604,274 alleles (22%); highest among the groups gnomAD compares: East Asian, 38%; 41,243 homozygotes.

Submissions (3):

Unidad de Genómica Garrahan, Hospital de Pediatría Garrahan
Classification: Benign. Last evaluated: 2023-11-12. Review status: criteria provided, single submitter. Criteria: ACMG Guidelines, 2015. Collection method: clinical testing. Allele origin: germline. Affected: no. Observed: 55 variant alleles.
Comment: This variant is classified as Benign based on local population frequency. This variant was detected in 57% of patients studied by a panel of primary immunodeficiencies. Number of patients: 55. Only high quality variants are reported.

GeneDx
Classification: Benign. Last evaluated: 2018-06-14. Review status: criteria provided, single submitter. Criteria: GeneDx Variant Classification (06012015). Collection method: clinical testing. Allele origin: germline. Affected: yes.
Comment: This variant is considered likely benign or benign based on one or more of the following criteria: it is a conservative change, it occurs at a poorly conserved position in the protein, it is predicted to be benign by multiple in silico algorithms, and/or has population frequency not consistent with disease.

Breakthrough Genomics
Classification: Benign. Review status: criteria provided, single submitter. Criteria: ACMG Guidelines, 2015. Collection method: not provided. Allele origin: germline. Inheritance: Autosomal recessive inheritance. Affected: yes.

NM_203447.3(DOCK8):c.-113C>T

Genes: DOCK8 (dedicator of cytokinesis 8; plus strand), DOCK8-AS1 (DOCK8 antisense RNA 1; minus strand), LOC130001435 (ATAC-STARR-seq lymphoblastoid silent region 19720; plus strand). Cytogenetic location: 9p24.3.
Variant type: single nucleotide variant.
Coding change: c.-113C>T on transcript NM_203447.3; 113 bases upstream of the start codon, C replaced by T.
Molecular consequence: non-coding transcript variant (on NR_160804.1).
Genome position (GRCh38, 1-based): chr9:214,864, C>T. VCF-style: chr9-214864-C-T. GRCh37 (hg19) VCF-style: chr9-214864-C-T.
Identifiers: ClinVar variation 369626 (VCV000369626.10), dbSNP rs2236547, ClinGen allele CA4956863.
Genomic context (GRCh38, chr9:214,864, plus strand): 5'-ACCCTCCCCCGGGGTGATTTCGGCTTAGAAGGTGGAAATGCGGAAGTTTCCAGCGCCGAC[C>T]GACAGACGAGGTTTGCGCTTGGCTGGGCATGTTCCGCGGCTACTCTGCGGCGCGCCAGGC-3'